The following is an entry in ClinVar:

ClinVar aggregate classification (germline): Conflicting classifications of pathogenicity. Review status: criteria provided, conflicting classifications (1 of 4 stars). 7 submissions from 7 submitters: Uncertain significance (6); Likely benign (1). Last evaluated 2025-08-14.

Conditions:
OPTN-related disorder. Also called: OPTN-related condition; OPTN-related disorders.
Inborn genetic diseases. Identifiers: MedGen C0950123, MeSH D030342.
Amyotrophic lateral sclerosis (ALS). Also called: Charcot disease; Lou Gehrig disease. Identifiers: Orphanet 803, MedGen C0002736, MONDO:0004976, HP:0007354.
Glaucoma 1, open angle, E. Identifiers: MedGen C1842026, MONDO:0007665.
Amyotrophic lateral sclerosis type 12 (ALS12). Also called: AMYOTROPHIC LATERAL SCLEROSIS 12 WITH OR WITHOUT FRONTOTEMPORAL DEMENTIA. Identifiers: Orphanet 803, MedGen C3150692, MONDO:0013264, OMIM 613435.
Primary open angle glaucoma (POAG). Also called: OPTN-related open angle glaucoma. Identifiers: MedGen C0339573, MONDO:0100553, OMIM 137760.

Allele frequency attached by ClinVar (database versions not stated): gnomAD exomes 0.00005; ESP Exome Variant Server 0.00008; gnomAD 0.00003; TOPMed 0.00003; ExAC 0.00004.
gnomAD v4.1: 162 of 1,613,786 alleles (0.01%); highest among the groups gnomAD compares: Middle Eastern, 0.016%; no homozygotes.

Submissions (7):

Labcorp Genetics (formerly Invitae), Labcorp
Classification: Uncertain significance for Primary open angle glaucoma; Glaucoma 1, open angle, E; Amyotrophic lateral sclerosis type 12. Last evaluated: 2025-08-14. Review status: criteria provided, single submitter. Criteria: Invitae Variant Classification Sherloc (09022015). Collection method: clinical testing. Allele origin: germline.
Comment: This sequence change falls in intron 12 of the OPTN gene. It does not directly change the encoded amino acid sequence of the OPTN protein. It affects a nucleotide within the consensus splice site. This variant is present in population databases (rs373981784, gnomAD 0.01%). This variant has not been reported in the literature in individuals affected with OPTN-related conditions. ClinVar contains an entry for this variant (Variation ID: 852864). Variants that disrupt the consensus splice site are a relatively common cause of aberrant splicing (PMID: 17576681, 9536098). Algorithms developed to predict the effect of sequence changes on RNA splicing suggest that this variant is not likely to affect RNA splicing. In summary, the available evidence is currently insufficient to determine the role of this variant in disease. Therefore, it has been classified as a Variant of Uncertain Significance.

Dasa
Classification: Uncertain significance. Last evaluated: 2025-07-29. Review status: criteria provided, single submitter. Criteria: DASA Assertion Criteria. Collection method: clinical testing. Allele origin: germline.
Comment: NM_001008212.2(OPTN):c.1533-3C>T is a splice-region variant. This variant is rare in population databases. Computational prediction algorithms are consistent with a benign effect. The currently available literature and clinical evidence are not sufficient to establish a definitive association between this variant and the reported condition. Therefore, this variant is classified as a variant of uncertain significance.

PreventionGenetics, part of Exact Sciences
Classification: Likely benign for OPTN-related condition. Last evaluated: 2024-10-09. Review status: criteria provided, single submitter. Criteria: ACMG Guidelines, 2015. Collection method: clinical testing. Allele origin: germline.
Comment: This variant is classified as likely benign based on ACMG/AMP sequence variant interpretation guidelines (Richards et al. 2015 PMID: 25741868, with internal and published modifications).

Athena Diagnostics
Classification: Uncertain significance. Last evaluated: 2023-12-15. Review status: criteria provided, single submitter. Criteria: Athena Diagnostics Criteria. Collection method: clinical testing. Allele origin: unknown.

Dept. of Medical Genetics, Telemark Hospital Trust, Telemark Hospital Trust
Classification: Uncertain significance for Amyotrophic Lateral Sclerosis. Last evaluated: 2022-01-01. Review status: criteria provided, single submitter. Criteria: ACMG Guidelines, 2015. Collection method: research. Allele origin: germline. Affected: yes.

Ambry Genetics
Classification: Uncertain significance for Inborn genetic diseases. Last evaluated: 2021-12-06. Review status: criteria provided, single submitter. Criteria: Ambry Variant Classification Scheme 2023. Collection method: clinical testing. Allele origin: germline.
Comment: The c.1533-3C>T intronic variant results from a C to T substitution 3 nucleotides upstream from coding exon 12 in the OPTN gene. This nucleotide position is not well conserved in available vertebrate species. In silico splice site analysis predicts that this alteration will not have any significant effect on splicing. Since supporting evidence is limited at this time, the clinical significance of this alteration remains unclear.

GeneDx
Classification: Uncertain significance. Last evaluated: 2019-07-18. Review status: criteria provided, single submitter. Criteria: GeneDx Variant Classification Process June 2021. Collection method: clinical testing. Allele origin: germline. Affected: yes.
Comment: Has not been previously published as pathogenic or benign to our knowledge; In-silico analysis, which includes splice predictors and evolutionary conservation, is inconclusive as to whether the variant alters gene splicing. In the absence of RNA/functional studies, the actual effect of this sequence change is unknown.

Literature cited by the submitters: PubMed 17576681 (cited by Labcorp Genetics (formerly Invitae), Labcorp); PubMed 9536098 (cited by Labcorp Genetics (formerly Invitae), Labcorp); PubMed 35576897 (cited by Athena Diagnostics).

NM_001008212.2(OPTN):c.1533-3C>T

Gene: OPTN (optineurin; plus strand). Cytogenetic location: 10p13.
Variant type: single nucleotide variant.
Coding change: c.1533-3C>T on transcript NM_001008212.2 (MANE Select); 3 bases into the intron before coding-DNA position 1533, C replaced by T.
Molecular consequence: intron variant.
Genome position (GRCh38, 1-based): chr10:13,133,499, C>T. VCF-style: chr10-13133499-C-T. GRCh37 (hg19) VCF-style: chr10-13175499-C-T.
Other names: c.1533-3C>T (NM_001008211.1, NM_001008213.1, NM_021980.4).
Identifiers: ClinVar variation 852864 (VCV000852864.16), dbSNP rs373981784, ClinGen allele CA5411010.